The following is an entry in ClinVar:

NM_001379200.1(TBX1):c.1195G>A (p.Gly399Arg)

Gene: TBX1 (T-box transcription factor 1; plus strand). Cytogenetic location: 22q11.21.
Variant type: single nucleotide variant.
Coding change: c.1195G>A on transcript NM_001379200.1 (MANE Select); coding-DNA position 1195, G replaced by A.
Protein change: p.Gly399Arg; replaces glycine 399 with arginine.
Molecular consequence: missense variant. On other transcripts: intron variant (2).
Genome position (GRCh38, 1-based): chr22:19,766,547, G>A. VCF-style: chr22-19766547-G-A. GRCh37 (hg19) VCF-style: chr22-19754070-G-A.
Other names: c.1168G>A, p.Gly390Arg (NM_080647.1); c.1009+545G>A (NM_005992.1, NM_080646.2); short protein forms G390R, G399R.
Identifiers: ClinVar variation 842651 (VCV000842651.9), dbSNP rs1196576937, ClinGen allele CA410684475.

ClinVar aggregate classification (germline): Uncertain significance (1 of 4 stars; one submission).

Conditions:
DiGeorge syndrome. Also called: THIRD AND FOURTH PHARYNGEAL POUCH SYNDROME; Catch22. Identifiers: Orphanet 567, MedGen C0012236, MONDO:0008564, OMIM 188400.

Allele frequency attached by ClinVar (database versions not stated): gnomAD exomes below 0.00001; gnomAD 0.00001; TOPMed 0.00004.

Submission:

Labcorp Genetics (formerly Invitae), Labcorp
Classification: Uncertain significance for DiGeorge syndrome. Last evaluated: 2025-08-30. Review status: criteria provided, single submitter. Criteria: Invitae Variant Classification Sherloc (09022015). Collection method: clinical testing. Allele origin: germline.
Comment: This sequence change replaces glycine, which is neutral and non-polar, with arginine, which is basic and polar, at codon 390 of the TBX1 protein (p.Gly390Arg). This variant is not present in population databases (gnomAD no frequency). This variant has not been reported in the literature in individuals affected with TBX1-related conditions. ClinVar contains an entry for this variant (Variation ID: 842651). An algorithm developed to predict the effect of missense changes on protein structure and function (PolyPhen-2) suggests that this variant is likely to be tolerated. In summary, the available evidence is currently insufficient to determine the role of this variant in disease. Therefore, it has been classified as a Variant of Uncertain Significance.